The following is an entry in ClinVar:

ClinVar aggregate classification (germline): Uncertain significance (1 of 4 stars; one submission).

Conditions:
Cortical dysplasia-focal epilepsy syndrome (PTHSL1). Also called: Pitt-Hopkins-like syndrome 1. Identifiers: Orphanet 163681, Orphanet 221150, MedGen C2750246, MONDO:0012400, OMIM 610042.

Submission:

Labcorp Genetics (formerly Invitae), Labcorp
Classification: Uncertain significance for Cortical dysplasia-focal epilepsy syndrome. Last evaluated: 2022-07-22. Review status: criteria provided, single submitter. Criteria: Invitae Variant Classification Sherloc (09022015). Collection method: clinical testing. Allele origin: germline.
Comment: This sequence change replaces serine, which is neutral and polar, with arginine, which is basic and polar, at codon 1114 of the CNTNAP2 protein (p.Ser1114Arg). This variant is not present in population databases (gnomAD no frequency). In summary, the available evidence is currently insufficient to determine the role of this variant in disease. Therefore, it has been classified as a Variant of Uncertain Significance. Algorithms developed to predict the effect of missense changes on protein structure and function are either unavailable or do not agree on the potential impact of this missense change (SIFT: "Deleterious"; PolyPhen-2: "Benign"; Align-GVGD: "Class C15"). This variant has not been reported in the literature in individuals affected with CNTNAP2-related conditions.

NM_014141.6(CNTNAP2):c.3340A>C (p.Ser1114Arg)

Gene: CNTNAP2 (contactin associated protein 2; plus strand). Cytogenetic location: 7q36.1.
Variant type: single nucleotide variant.
Coding change: c.3340A>C on transcript NM_014141.6 (MANE Select); coding-DNA position 3340, A replaced by C.
Protein change: p.Ser1114Arg; replaces serine 1114 with arginine.
Molecular consequence: missense variant.
Genome position (GRCh38, 1-based): chr7:148,229,738, A>C. VCF-style: chr7-148229738-A-C. GRCh37 (hg19) VCF-style: chr7-147926830-A-C.
Other names: short protein forms S1114R.
Identifiers: ClinVar variation 1722235 (VCV001722235.6), dbSNP rs983036503, ClinGen allele CA369929760.
Genomic context (GRCh38, chr7:148,229,738, plus strand): 5'-ACCCGAGAGCCATACAATATTGACGTAGACCACAGGAACATGGCCAATGGACAGCCCCAC[A>C]GTGTCAACATCACCCGCCACGAGAAGACCATCTTTCTCAAGGTATACATACATGTACATA-3'
Protein context (NP_054860.1, residues 1104-1124): HRNMANGQPH[Ser1114Arg]VNITRHEKTI